The following is an entry in ClinVar:

NM_001371986.1(UNC80):c.2228AAG[1] (p.Glu744del)

Gene: UNC80 (unc-80 subunit of NALCN channel complex; plus strand). Cytogenetic location: 2q34.
Variant type: Microsatellite.
Coding change: c.2228AAG[1] on transcript NM_001371986.1 (MANE Select); one copy of the 3-base unit AAG starting at c.2228; the reference has two copies in a row; one copy, 3 bases deleted.
Protein change: p.Glu744del; deletes glutamic acid 744.
Molecular consequence: inframe deletion.
Genome position (GRCh38, 1-based): chr2:209,820,579-209,820,581, AAG deleted; deleting any 3 consecutive bases within chr2:209,820,574-209,820,581 gives the same sequence; the position shown is the placement nearest the transcript's 3' end. VCF-style (leftmost placement, unchanged base first): chr2-209820573-GAGA-G. GRCh37 (hg19) VCF-style: chr2-210685297-GAGA-G.
Other names: c.2228AAG[1], p.Glu744del (NM_032504.2, NM_182587.4); short protein forms E744del.
Identifiers: ClinVar variation 1804289 (VCV001804289.3), dbSNP rs1166256326, ClinGen allele CA764096107.

ClinVar aggregate classification (germline): Uncertain significance. Review status: criteria provided, multiple submitters, no conflicts (2 of 4 stars). 2 submissions from 2 submitters: Uncertain significance (2). Last evaluated 2025-05-02.

Submissions (2):

Labcorp Genetics (formerly Invitae), Labcorp
Classification: Uncertain significance. Last evaluated: 2025-05-02. Review status: criteria provided, single submitter. Criteria: Invitae Variant Classification Sherloc (09022015). Collection method: clinical testing. Allele origin: germline.
Comment: This variant, c.2231_2233del, results in the deletion of 1 amino acid(s) of the UNC80 protein (p.Glu744del), but otherwise preserves the integrity of the reading frame. This variant is not present in population databases (gnomAD no frequency). This variant has not been reported in the literature in individuals affected with UNC80-related conditions. ClinVar contains an entry for this variant (Variation ID: 1804289). Experimental studies and prediction algorithms are not available or were not evaluated, and the functional significance of this variant is currently unknown. In summary, the available evidence is currently insufficient to determine the role of this variant in disease. Therefore, it has been classified as a Variant of Uncertain Significance.

GeneDx
Classification: Uncertain significance. Last evaluated: 2023-08-24. Review status: criteria provided, single submitter. Criteria: GeneDx Variant Classification Process June 2021. Collection method: clinical testing. Allele origin: germline.
Comment: Not observed at significant frequency in large population cohorts (gnomAD); In-frame deletion of one amino acid in a non-repeat region; In silico analysis supports that this variant does not alter protein structure/function; Has not been previously published as pathogenic or benign to our knowledge